The following is an entry in ClinVar:

NM_005068.3(SIM1):c.957C>T (p.Ser319=)

Gene: SIM1 (SIM bHLH transcription factor 1; minus strand). Cytogenetic location: 6q16.3.
Variant type: single nucleotide variant.
Coding change: c.957C>T on transcript NM_005068.3 (MANE Select); coding-DNA position 957, C replaced by T.
Protein change: p.Ser319=; no amino-acid change (serine 319 retained).
Molecular consequence: synonymous variant.
Genome position (GRCh38, 1-based): chr6:100,447,309, G>A on the plus strand (C>T on the coding strand, the complement: SIM1 is on the minus strand). VCF-style: chr6-100447309-G-A. GRCh37 (hg19) VCF-style: chr6-100895185-G-A.
Other names: c.957C>T, p.Ser319= (NM_001374769.1).
Identifiers: ClinVar variation 4994235 (VCV004994235.1).

ClinVar aggregate classification (germline): Likely benign (1 of 4 stars; one submission).

Conditions:
SIM1-related disorder. Also called: SIM1-related condition; SIM1-related disorders.

gnomAD v4.1: 1 of 1,614,232 alleles (0.000062%); highest among the groups gnomAD compares: Admixed American, 0.0017%; no homozygotes.

Submission:

PreventionGenetics, part of Exact Sciences
Classification: Likely benign for SIM1-related condition. Last evaluated: 2026-04-27. Review status: criteria provided, single submitter. Criteria: ACMG Guidelines, 2015. Collection method: clinical testing. Allele origin: germline.
Comment: This variant is classified as likely benign based on ACMG/AMP sequence variant interpretation guidelines (Richards et al. 2015 PMID: 25741868, with internal and published modifications).